The following is an entry in ClinVar:

NM_005273.4(GNB2):c.350T>C (p.Leu117Ser)

Gene: GNB2 (G protein subunit beta 2; plus strand). Cytogenetic location: 7q22.1.
Variant type: single nucleotide variant.
Coding change: c.350T>C on transcript NM_005273.4 (MANE Select); coding-DNA position 350, T replaced by C.
Protein change: p.Leu117Ser; replaces leucine 117 with serine.
Molecular consequence: missense variant.
Genome position (GRCh38, 1-based): chr7:100,677,580, T>C. VCF-style: chr7-100677580-T-C. GRCh37 (hg19) VCF-style: chr7-100275203-T-C.
Other names: short protein forms L117S.
Identifiers: ClinVar variation 3899082 (VCV003899082.1).

ClinVar aggregate classification (germline): Uncertain significance (1 of 4 stars; one submission).

Submission:

GeneDx
Classification: Uncertain significance. Last evaluated: 2024-11-08. Review status: criteria provided, single submitter. Criteria: GeneDx Variant Classification Process June 2021. Collection method: clinical testing. Allele origin: germline. Affected: yes.
Comment: Not observed at significant frequency in large population cohorts (gnomAD); In silico analysis supports that this missense variant has a deleterious effect on protein structure/function; Has not been previously published as pathogenic or benign to our knowledge